The following is an entry in ClinVar:

NM_000238.4(KCNH2):c.3053C>G (p.Pro1018Arg)

Gene: KCNH2 (potassium voltage-gated channel subfamily H member 2; minus strand). Cytogenetic location: 7q36.1.
Variant type: single nucleotide variant.
Coding change: c.3053C>G on transcript NM_000238.4 (MANE Select); coding-DNA position 3053, C replaced by G.
Protein change: p.Pro1018Arg; replaces proline 1018 with arginine.
Molecular consequence: missense variant. On other transcripts: non-coding transcript variant (2).
Genome position (GRCh38, 1-based): chr7:150,947,427, G>C on the plus strand (C>G on the coding strand, the complement: KCNH2 is on the minus strand). VCF-style: chr7-150947427-G-C. GRCh37 (hg19) VCF-style: chr7-150644515-G-C.
Other names: c.2765C>G, p.Pro922Arg (NM_001406753.1); c.2033C>G, p.Pro678Arg (NM_172057.3); short protein forms P678R, P922R, P1018R.
Identifiers: ClinVar variation 4779396 (VCV004779396.1).

ClinVar aggregate classification (germline): Uncertain significance (1 of 4 stars; one submission).

Conditions:
Long QT syndrome (LQTS). Identifiers: MedGen C0023976, MeSH D008133, MONDO:0002442. Disease mechanism: loss of function. Inheritance: Various modes of inheritance.

Submission:

Labcorp Genetics (formerly Invitae), Labcorp
Classification: Uncertain significance for Long QT syndrome. Last evaluated: 2025-03-09. Review status: criteria provided, single submitter. Criteria: Invitae Variant Classification Sherloc (09022015). Collection method: clinical testing. Allele origin: germline.
Comment: This sequence change replaces proline, which is neutral and non-polar, with arginine, which is basic and polar, at codon 1018 of the KCNH2 protein (p.Pro1018Arg). This variant is not present in population databases (gnomAD no frequency). This variant has not been reported in the literature in individuals affected with KCNH2-related conditions. An algorithm developed to predict the effect of missense changes on protein structure and function (PolyPhen-2) suggests that this variant is likely to be disruptive. In summary, the available evidence is currently insufficient to determine the role of this variant in disease. Therefore, it has been classified as a Variant of Uncertain Significance.